The following is an entry in ClinVar:

NM_001042492.3(NF1):c.3855G>C (p.Met1285Ile)

Gene: NF1 (neurofibromin 1; plus strand). Cytogenetic location: 17q11.2.
Variant type: single nucleotide variant.
Coding change: c.3855G>C on transcript NM_001042492.3 (MANE Select); coding-DNA position 3855, G replaced by C.
Protein change: p.Met1285Ile; replaces methionine 1285 with isoleucine.
Molecular consequence: missense variant.
Genome position (GRCh38, 1-based): chr17:31,235,757, G>C. VCF-style: chr17-31235757-G-C. GRCh37 (hg19) VCF-style: chr17-29562775-G-C.
Other names: c.3855G>C, p.Met1285Ile (NM_000267.4); short protein forms M1285I.
Identifiers: ClinVar variation 1697145 (VCV001697145.6), dbSNP rs2067189497, ClinGen allele CA398992871.

ClinVar aggregate classification (germline): Uncertain significance. Review status: criteria provided, multiple submitters, no conflicts (2 of 4 stars). 2 submissions from 2 submitters: Uncertain significance (2). Last evaluated 2025-10-10.

Conditions:
Hereditary cancer-predisposing syndrome. Also called: Hereditary neoplastic syndrome; Tumor predisposition; Neoplastic Syndromes, Hereditary; Hereditary Cancer Syndrome. Identifiers: Orphanet 140162, MedGen C0027672, MeSH D009386, MONDO:0015356.
Cardiovascular phenotype. Identifiers: MedGen CN230736.

Submissions (2):

Ambry Genetics
Classification: Uncertain significance for Cardiovascular phenotype; Hereditary cancer-predisposing syndrome. Last evaluated: 2025-10-10. Review status: criteria provided, single submitter. Criteria: Ambry Variant Classification Scheme 2023. Collection method: clinical testing. Allele origin: germline.
Comment: The p.M1285I variant (also known as c.3855G>C), located in coding exon 28 of the NF1 gene, results from a G to C substitution at nucleotide position 3855. The methionine at codon 1285 is replaced by isoleucine, an amino acid with highly similar properties. This amino acid position is highly conserved in available vertebrate species. In addition, this alteration is predicted to be deleterious by in silico analysis. Based on the available evidence, the clinical significance of this alteration remains unclear.

GeneDx
Classification: Uncertain significance. Last evaluated: 2023-08-08. Review status: criteria provided, single submitter. Criteria: GeneDx Variant Classification Process June 2021. Collection method: clinical testing. Allele origin: germline. Affected: yes.
Comment: Not observed at significant frequency in large population cohorts (gnomAD); In silico analysis supports that this missense variant has a deleterious effect on protein structure/function; Has not been previously published as pathogenic or benign to our knowledge; This variant is associated with the following publications: (PMID: 22807134, 25486365)